The following is an entry in ClinVar:

ClinVar aggregate classification (germline): Uncertain significance (1 of 4 stars; one submission).

Conditions:
Inborn genetic diseases. Identifiers: MedGen C0950123, MeSH D030342.

Submission:

Ambry Genetics
Classification: Uncertain significance for Inborn genetic diseases. Last evaluated: 2023-03-20. Review status: criteria provided, single submitter. Criteria: Ambry Variant Classification Scheme 2023. Collection method: clinical testing. Allele origin: germline.
Comment: The p.T1275S variant (also known as c.3823A>T), located in coding exon 21 of the ATR gene, results from an A to T substitution at nucleotide position 3823. The threonine at codon 1275 is replaced by serine, an amino acid with similar properties. This amino acid position is conserved. In addition, this alteration is predicted to be tolerated by in silico analysis. Since supporting evidence is limited at this time, the clinical significance of this alteration remains unclear.

NM_001184.4(ATR):c.3823A>T (p.Thr1275Ser)

Gene: ATR (ATR checkpoint kinase; minus strand). Cytogenetic location: 3q23.
Variant type: single nucleotide variant.
Coding change: c.3823A>T on transcript NM_001184.4 (MANE Select); coding-DNA position 3823, A replaced by T.
Protein change: p.Thr1275Ser; replaces threonine 1275 with serine.
Molecular consequence: missense variant.
Genome position (GRCh38, 1-based): chr3:142,535,202, T>A on the plus strand (A>T on the coding strand, the complement: ATR is on the minus strand). VCF-style: chr3-142535202-T-A. GRCh37 (hg19) VCF-style: chr3-142254044-T-A.
Other names: c.3631A>T, p.Thr1211Ser (NM_001354579.2); short protein forms T1275S, T1211S.
Identifiers: ClinVar variation 2562494 (VCV002562494.2), dbSNP rs2108425410, ClinGen allele CA354806457.